The following is an entry in ClinVar:

NM_001378964.1(CDON):c.1109T>C (p.Val370Ala)

Gene: CDON (cell adhesion associated, oncogene regulated; minus strand). Cytogenetic location: 11q24.2.
Variant type: single nucleotide variant.
Coding change: c.1109T>C on transcript NM_001378964.1 (MANE Select); coding-DNA position 1109, T replaced by C.
Protein change: p.Val370Ala; replaces valine 370 with alanine.
Molecular consequence: missense variant.
Genome position (GRCh38, 1-based): chr11:126,015,330, A>G on the plus strand (T>C on the coding strand, the complement: CDON is on the minus strand). VCF-style: chr11-126015330-A-G. GRCh37 (hg19) VCF-style: chr11-125885225-A-G.
Other names: c.1109T>C, p.Val370Ala (NM_001243597.3, NM_016952.6); short protein forms V370A.
Identifiers: ClinVar variation 1064507 (VCV001064507.3), dbSNP rs1947430952, ClinGen allele CA383210144.
Genomic context (GRCh38, chr11:126,015,330, plus strand): 5'-TGCATAAATCCAATCCCATTATCTGCTACACACTGATACATCCCAACATCTTCCACAGTA[A>G]CCCCACTGATTTTCAGTCCGTTTCCTGCAGTTAGATGTCGTGCAGAAGGATGAATAGGCT-3'
Protein context (NP_001365893.1, residues 360-380): TAGNGLKISG[Val370Ala]TVEDVGMYQC

ClinVar aggregate classification (germline): Uncertain significance. Review status: criteria provided, single submitter (1 of 4 stars). 2 submissions from 2 submitters: Uncertain significance (1). 1 of the submissions does not count toward it. Last evaluated 2025-05-14.

Conditions:
Holoprosencephaly 11 (HPE11). Identifiers: Orphanet 2162, MedGen C3280215, MONDO:0013642, OMIM 614226.
Peripheral precocious puberty. Identifiers: Orphanet 178040, MedGen C5680513, MONDO:0015791.

Allele frequency attached by ClinVar (database versions not stated): gnomAD exomes 0.00001.
gnomAD v4.1: 13 of 1,614,006 alleles (0.00081%); highest among the groups gnomAD compares: Non-Finnish European, 0.0011%; no homozygotes.

Submissions (2):

Labcorp Genetics (formerly Invitae), Labcorp
Classification: Uncertain significance for Holoprosencephaly 11. Last evaluated: 2025-05-14. Review status: criteria provided, single submitter. Criteria: Invitae Variant Classification Sherloc (09022015). Collection method: clinical testing. Allele origin: germline.
Comment: This sequence change replaces valine, which is neutral and non-polar, with alanine, which is neutral and non-polar, at codon 370 of the CDON protein (p.Val370Ala). This variant is not present in population databases (gnomAD no frequency). This missense change has been observed in individual(s) with prepubertal ovarian cyst (PMID: 34055685). ClinVar contains an entry for this variant (Variation ID: 1064507). Invitae Evidence Modeling of protein sequence and biophysical properties (such as structural, functional, and spatial information, amino acid conservation, physicochemical variation, residue mobility, and thermodynamic stability) indicates that this missense variant is not expected to disrupt CDON protein function with a negative predictive value of 80%. In summary, the available evidence is currently insufficient to determine the role of this variant in disease. Therefore, it has been classified as a Variant of Uncertain Significance.

Human Developmental Genetics, Institut Pasteur
Classification: Uncertain significance for Peripheral precocious puberty. Last evaluated: 2021-04-15. Review status: no assertion criteria provided. Collection method: research. Allele origin: unknown. Inheritance: Autosomal dominant inheritance. Affected: yes. Observed: 1 variant allele, 1 heterozygote. Not counted in ClinVar's aggregate classification.

Literature cited by the submitters: PubMed 34055685 (cited by Labcorp Genetics (formerly Invitae), Labcorp).